The following is an entry in ClinVar:

ClinVar aggregate classification (germline): Uncertain significance (1 of 4 stars; one submission).

Submission:

GeneDx
Classification: Uncertain significance. Last evaluated: 2019-10-17. Review status: criteria provided, single submitter. Criteria: GeneDx Variant Classification Process June 2021. Collection method: clinical testing. Allele origin: germline. Affected: yes.
Comment: Not observed in large population cohorts (Lek et al., 2016); Nonsense variant predicted to result in protein truncation in a gene for which loss-of-function is not a well established mechanism of disease; Functional studies of the Y368X variant suggest that this variant results in truncated protein at reduced levels; however, it is unclear what specific nucleotide change resulting in the Y368X variant was evaluated (Kang et al., 2009); This variant is associated with the following publications: (PMID: 19261879)

NM_001127644.2(GABRA1):c.1103dup (p.Tyr368Ter)

Gene: GABRA1 (gamma-aminobutyric acid type A receptor subunit alpha1; plus strand). Cytogenetic location: 5q34.
Variant type: Duplication.
Coding change: c.1103dup on transcript NM_001127644.2 (MANE Select); coding-DNA position 1103, one base duplicated (A; older notation c.1103dupA).
Protein change: p.Tyr368Ter; replaces tyrosine 368 with a stop codon.
Molecular consequence: nonsense.
Genome position (GRCh38, 1-based): chr5:161,897,154, A duplicated. VCF-style (leftmost placement, unchanged base first): chr5-161897153-T-TA. GRCh37 (hg19) VCF-style: chr5-161324159-T-TA.
Other names: c.1103dup, p.Tyr368Ter (NM_000806.5, NM_001127643.2, NM_001127645.2 and 1 more transcripts); short protein forms Y368*.
Identifiers: ClinVar variation 1308997 (VCV001308997.2), dbSNP rs2113469544, ClinGen allele CA2573052470.